The following is an entry in ClinVar:

ClinVar aggregate classification (germline): Uncertain significance (1 of 4 stars; one submission).

gnomAD v4.1: 13 of 1,613,406 alleles (0.00081%); highest among the groups gnomAD compares: Non-Finnish European, 0.0011%; no homozygotes.

Submission:

Women's Health and Genetics/Laboratory Corporation of America, LabCorp
Classification: Uncertain significance. Last evaluated: 2025-09-11. Review status: criteria provided, single submitter. Criteria: LabCorp Variant Classification Summary - May 2015. Collection method: clinical testing. Allele origin: germline.
Comment: Variant summary: MSTO1 c.920G>C (p.Gly307Ala) results in a non-conservative amino acid change in the encoded protein sequence. Algorithms developed to predict the effect of missense changes on protein structure and function are either unavailable or do not agree on the potential impact of this missense change. The variant was absent in 251238 control chromosomes. The available data on variant occurrences in the general population are insufficient to allow any conclusion about variant significance. To our knowledge, no occurrence of c.920G>C in individuals affected with MSTO1-related conditions and no experimental evidence demonstrating its impact on protein function have been reported. No submitters have cited clinical-significance assessments for this variant to ClinVar. Based on the evidence outlined above, the variant was classified as uncertain significance.

NM_018116.4(MSTO1):c.920G>C (p.Gly307Ala)

Gene: MSTO1 (misato mitochondrial distribution and morphology regulator 1; plus strand). Cytogenetic location: 1q22.
Variant type: single nucleotide variant.
Coding change: c.920G>C on transcript NM_018116.4 (MANE Select); coding-DNA position 920, G replaced by C.
Protein change: p.Gly307Ala; replaces glycine 307 with alanine.
Molecular consequence: missense variant. On other transcripts: non-coding transcript variant (6).
Genome position (GRCh38, 1-based): chr1:155,612,524, G>C. VCF-style: chr1-155612524-G-C. GRCh37 (hg19) VCF-style: chr1-155582315-G-C.
Other names: c.920G>C, p.Gly307Ala (NM_001256532.1, NM_001256533.1, NM_001350772.1 and 3 more transcripts); c.755G>C, p.Gly252Ala (NM_001350776.1); c.389G>C, p.Gly130Ala (NM_001350777.1, NM_001350778.1, NM_001350779.1); c.386G>C, p.Gly129Ala (NM_001350780.1, NM_001350781.1, NM_001350782.1 and 3 more transcripts); c.377G>C, p.Gly126Ala (NM_001350784.1, NM_001350785.1, NM_001350787.1 and 1 more transcripts); short protein forms G126A, G129A, G130A, G252A, G307A.
Identifiers: ClinVar variation 4535600 (VCV004535600.1).